The following is an entry in ClinVar:

NM_002303.6(LEPR):c.691C>T (p.Pro231Ser)

Gene: LEPR (leptin receptor; plus strand). Cytogenetic location: 1p31.3.
Variant type: single nucleotide variant.
Coding change: c.691C>T on transcript NM_002303.6 (MANE Select); coding-DNA position 691, C replaced by T.
Protein change: p.Pro231Ser; replaces proline 231 with serine.
Molecular consequence: missense variant.
Genome position (GRCh38, 1-based): chr1:65,592,853, C>T. VCF-style: chr1-65592853-C-T. GRCh37 (hg19) VCF-style: chr1-66058536-C-T.
Other names: c.691C>T, p.Pro231Ser (NM_001003679.3, NM_001003680.3, NM_001198687.2 and 2 more transcripts); short protein forms P231S.
Identifiers: ClinVar variation 876824 (VCV000876824.9), dbSNP rs776647803, ClinGen allele CA894614.

ClinVar aggregate classification (germline): Uncertain significance. Review status: criteria provided, multiple submitters, no conflicts (2 of 4 stars). 4 submissions from 4 submitters: Uncertain significance (4). Last evaluated 2026-05-26.

Conditions:
Inborn genetic diseases. Identifiers: MedGen C0950123, MeSH D030342.
Obesity due to leptin receptor gene deficiency. Identifiers: Orphanet 179494, MedGen C3554225, MONDO:0013992, OMIM 614963.
LEPR-related disorder. Also called: LEPR-related condition; LEPR-related disorders.

Allele frequency attached by ClinVar (database versions not stated): ExAC 0.00002; gnomAD 0.00002; gnomAD exomes 0.00002 and 0.00004; TOPMed 0.00003.
gnomAD v4.1: 14 of 1,612,786 alleles (0.00087%); highest among the groups gnomAD compares: Admixed American, 0.022%; no homozygotes.

Submissions (4):

PreventionGenetics, part of Exact Sciences
Classification: Uncertain significance for LEPR-related condition. Last evaluated: 2026-05-26. Review status: criteria provided, single submitter. Criteria: ACMG Guidelines, 2015. Collection method: clinical testing. Allele origin: germline.
Comment: The LEPR c.691C>T variant is predicted to result in the amino acid substitution p.Pro231Ser. This variant was observed in a cohort of individuals with obesity, and in vitro functional studies showed function similar to wild-type levels (Supplemental Data Set, Shah et al. 2023. PubMed ID: 36864747). This variant is reported in 0.029% of alleles in individuals of Latino descent in gnomAD. At this time, the clinical significance of this variant is uncertain due to the absence of conclusive functional and genetic evidence.

Fulgent Genetics
Classification: Uncertain significance for Obesity due to leptin receptor gene deficiency. Last evaluated: 2021-10-18. Review status: criteria provided, single submitter. Criteria: ACMG Guidelines, 2015. Collection method: clinical testing. Allele origin: unknown.

Ambry Genetics
Classification: Uncertain significance for Inborn genetic diseases. Last evaluated: 2021-07-09. Review status: criteria provided, single submitter. Criteria: Ambry Variant Classification Scheme 2023. Collection method: clinical testing. Allele origin: germline.

Illumina Laboratory Services, Illumina
Classification: Uncertain significance for Obesity due to leptin receptor gene deficiency. Last evaluated: 2017-04-28. Review status: criteria provided, single submitter. Criteria: ICSL Variant Classification Criteria 13 December 2019. Collection method: clinical testing. Allele origin: germline.